The following is an entry in ClinVar:

ClinVar aggregate classification (germline): Pathogenic. Review status: criteria provided, multiple submitters, no conflicts (2 of 4 stars). 2 submissions from 2 submitters: Pathogenic (2). Last evaluated 2025-12-11.

Conditions:
GDF5-related disorder. Also called: GDF5-related condition; GDF5 (CDMP1)-related disorder. Identifiers: MedGen CN169990.
Brachydactyly type C (BDC). Identifiers: Orphanet 93384, MedGen C1862103, MONDO:0007221, OMIM 113100, HP:0009373.

Submissions (2):

Variantyx, Inc.
Classification: Pathogenic for Brachydactyly type C. Last evaluated: 2025-12-11. Review status: criteria provided, single submitter. Criteria: Variantyx Assertion Criteria 2022. Collection method: clinical testing. Allele origin: germline. Inheritance: Autosomal dominant inheritance. Affected: no.
Comment: This is a frameshift variant in the GDF5 gene (OMIM: 601146). Pathogenic variants in this gene have been associated with autosomal dominant type C brachydactyly. This variant introduces a premature termination codon in exon 1 out of 2and is expected to result in loss of function, which is a known disease mechanism for GDF5 in this disorder (PMID: 8589725, 9288091, 12121354, 12357473) (PVS1). This variant has been observed to segregate with disease in at least 8 individuals from one family (PMID: 11169564 ) (PP1_Moderate). This variant is absent from control populations (PM2). Based on the current evidence, this variant is classified as pathogenic for autosomal dominant type C brachydactyly.

Blueprint Genetics
Classification: Pathogenic for GDF5-related disorders. Last evaluated: 2020-02-11. Review status: criteria provided, single submitter. Criteria: ACMG Guidelines, 2015. Collection method: clinical testing. Allele origin: germline. Affected: yes. Observed: 5 variant alleles.

Literature cited by the submitters: PubMed 11169564 (cited by Variantyx, Inc.); PubMed 8589725 (cited by Variantyx, Inc.); PubMed 9288091 (cited by Variantyx, Inc.); PubMed 12121354 (cited by Variantyx, Inc.); PubMed 12357473 (cited by Variantyx, Inc.).

NM_000557.5(GDF5):c.498del (p.Ile167fs)

Gene: GDF5 (growth differentiation factor 5; minus strand). Cytogenetic location: 20q11.22.
Variant type: Deletion.
Coding change: c.498del on transcript NM_000557.5 (MANE Select); coding-DNA position 498, one base deleted (C; older notation c.498delC).
Protein change: p.Ile167fs; shifts the reading frame from isoleucine 167.
Molecular consequence: frameshift variant.
Genome position (GRCh38, 1-based): chr20:35,437,431, G deleted on the plus strand (C on the coding strand, the reverse complement: GDF5 is on the minus strand); the first of 6 consecutive G bases (chr20:35,437,431-35,437,436); deleting any one gives the same sequence. VCF-style (leftmost placement, unchanged base first): chr20-35437430-TG-T. GRCh37 (hg19) VCF-style: chr20-34025210-TG-T.
Other names: c.498del, p.Ile167fs (NM_001319138.2); short protein forms I167fs.
Identifiers: ClinVar variation 1224391 (VCV001224391.3), dbSNP rs1368882599, ClinGen allele CA2499225737.